The following is an entry in ClinVar:

NM_004100.5(EYA4):c.1358C>A (p.Thr453Asn)

Genes: EYA4 (EYA transcriptional coactivator and phosphatase 4; plus strand), TARID (TCF21 antisense RNA inducing promoter demethylation; minus strand). Cytogenetic location: 6q23.2.
Variant type: single nucleotide variant.
Coding change: c.1358C>A on transcript NM_004100.5 (MANE Select); coding-DNA position 1358, C replaced by A.
Protein change: p.Thr453Asn; replaces threonine 453 with asparagine.
Molecular consequence: missense variant.
Genome position (GRCh38, 1-based): chr6:133,512,895, C>A. VCF-style: chr6-133512895-C-A. GRCh37 (hg19) VCF-style: chr6-133834033-C-A.
Other names: c.1196C>A, p.Thr399Asn (NM_001301012.2); c.1376C>A, p.Thr459Asn (NM_001301013.2); c.1289C>A, p.Thr430Asn (NM_001370458.1, NM_172103.4); c.1214C>A, p.Thr405Asn (NM_001370459.1); c.1358C>A, p.Thr453Asn (NM_172105.4); short protein forms T399N, T405N, T430N, T459N, T453N.
Identifiers: ClinVar variation 657896 (VCV000657896.9), dbSNP rs1321644184, ClinGen allele CA365714941.

ClinVar aggregate classification (germline): Uncertain significance. Review status: criteria provided, multiple submitters, no conflicts (2 of 4 stars). 2 submissions from 2 submitters: Uncertain significance (2). Last evaluated 2024-06-18.

Conditions:
Dilated cardiomyopathy 1J (CMD1J). Also called: CARDIOMYOPATHY, DILATED, WITH SENSORINEURAL HEARING LOSS, AUTOSOMAL DOMINANT. Identifiers: Orphanet 217622, MedGen C1854368, MONDO:0011541, OMIM 605362.
Autosomal dominant nonsyndromic hearing loss 10. Identifiers: Orphanet 90635, MedGen C1832476, MONDO:0011031, OMIM 601316.

Allele frequency attached by ClinVar (database versions not stated): gnomAD exomes below 0.00001.
gnomAD v4.1: 4 of 1,614,076 alleles (0.00025%); highest among the groups gnomAD compares: Non-Finnish European, 0.00034%; no homozygotes.

Submissions (2):

Labcorp Genetics (formerly Invitae), Labcorp
Classification: Uncertain significance for Dilated cardiomyopathy 1J. Last evaluated: 2024-06-18. Review status: criteria provided, single submitter. Criteria: Invitae Variant Classification Sherloc (09022015). Collection method: clinical testing. Allele origin: germline.
Comment: This sequence change replaces threonine, which is neutral and polar, with asparagine, which is neutral and polar, at codon 453 of the EYA4 protein (p.Thr453Asn). This variant is present in population databases (no rsID available, gnomAD 0.0009%). This variant has not been reported in the literature in individuals affected with EYA4-related conditions. ClinVar contains an entry for this variant (Variation ID: 657896). Advanced modeling of protein sequence and biophysical properties (such as structural, functional, and spatial information, amino acid conservation, physicochemical variation, residue mobility, and thermodynamic stability) performed at Invitae indicates that this missense variant is not expected to disrupt EYA4 protein function with a negative predictive value of 80%. In summary, the available evidence is currently insufficient to determine the role of this variant in disease. Therefore, it has been classified as a Variant of Uncertain Significance.

Fulgent Genetics
Classification: Uncertain significance for Autosomal dominant nonsyndromic hearing loss 10; Dilated cardiomyopathy 1J. Last evaluated: 2022-01-11. Review status: criteria provided, single submitter. Criteria: ACMG Guidelines, 2015. Collection method: clinical testing. Allele origin: unknown.